The following is an entry in ClinVar:

NM_000257.4(MYH7):c.5075_5076delinsAA (p.Val1692Glu)

Genes: MHRT (myosin heavy chain associated RNA transcript; plus strand), MYH7 (myosin heavy chain 7; minus strand), LOC126861897 (BRD4-independent group 4 enhancer GRCh37_chr14:23884455-23885654; plus strand). Cytogenetic location: 14q11.2.
Variant type: Indel.
Coding change: c.5075_5076delinsAA on transcript NM_000257.4 (MANE Select); coding-DNA positions 5075 to 5076, TG replaced by AA.
Protein change: p.Val1692Glu; replaces valine 1692 with glutamic acid.
Molecular consequence: missense variant. On other transcripts: non-coding transcript variant (1).
Genome position (GRCh38, 1-based): chr14:23,415,710-23,415,711, CA replaced by TT on the plus strand (TG replaced by AA on the coding strand, the reverse complement: MYH7 is on the minus strand). VCF-style: chr14-23415710-CA-TT. GRCh37 (hg19) VCF-style: chr14-23884919-CA-TT.
Other names: c.5075_5076delinsAA (NM_000257.2); short protein forms V1692E.
Identifiers: ClinVar variation 923082 (VCV000923082.13), dbSNP rs1892169334, ClinGen allele CA1139663364.

ClinVar aggregate classification (germline): Uncertain significance. Review status: criteria provided, multiple submitters, no conflicts (2 of 4 stars). 4 submissions from 4 submitters: Uncertain significance (4). Last evaluated 2025-07-22.

Conditions:
Hypertrophic cardiomyopathy. Also called: HYPERTROPHIC MYOCARDIOPATHY. Identifiers: Orphanet 217569, MedGen C0007194, MeSH D002312, MONDO:0005045, HP:0001639.
Cardiomyopathy (CMYO). Also called: Cardiomyopathies. Identifiers: Orphanet 167848, MedGen C0878544, MONDO:0004994, HP:0001638. Inheritance: Various modes of inheritance.

Submissions (4):

GeneDx
Classification: Uncertain significance. Last evaluated: 2025-07-22. Review status: criteria provided, single submitter. Criteria: GeneDx Variant Classification Process June 2021. Collection method: clinical testing. Allele origin: germline. Affected: yes.
Comment: Not observed at significant frequency in large population cohorts (gnomAD); In silico analysis supports a deleterious effect on protein structure/function; Has not been previously published as pathogenic or benign to our knowledge

Color Diagnostics, LLC DBA Color Health
Classification: Uncertain significance for Cardiomyopathy. Last evaluated: 2025-01-13. Review status: criteria provided, single submitter. Criteria: ACMG Guidelines, 2015. Collection method: clinical testing. Allele origin: germline.
Comment: This missense variant replaces valine with glutamic acid at codon 1692 of the MYH7 protein. To our knowledge, functional studies have not been reported for this variant. This variant has not been reported in individuals affected with MYH7-related disorders in the literature. This variant has not been identified in the general population by the Genome Aggregation Database (gnomAD). The available evidence is insufficient to determine the role of this variant in disease conclusively. Therefore, this variant is classified as a Variant of Uncertain Significance.

Labcorp Genetics (formerly Invitae), Labcorp
Classification: Uncertain significance for Hypertrophic cardiomyopathy. Last evaluated: 2024-12-23. Review status: criteria provided, single submitter. Criteria: Invitae Variant Classification Sherloc (09022015). Collection method: clinical testing. Allele origin: germline.
Comment: This sequence change replaces valine, which is neutral and non-polar, with glutamic acid, which is acidic and polar, at codon 1692 of the MYH7 protein (p.Val1692Glu). Information on the frequency of this variant in the gnomAD database is not available, as this variant may be reported differently in the database. This variant has not been reported in the literature in individuals affected with MYH7-related conditions. ClinVar contains an entry for this variant (Variation ID: 923082). An algorithm developed to predict the effect of missense changes on protein structure and function (PolyPhen-2) suggests that this variant is likely to be disruptive. In summary, the available evidence is currently insufficient to determine the role of this variant in disease. Therefore, it has been classified as a Variant of Uncertain Significance.

Women's Health and Genetics/Laboratory Corporation of America, LabCorp
Classification: Uncertain significance. Last evaluated: 2024-07-12. Review status: criteria provided, single submitter. Criteria: LabCorp Variant Classification Summary - May 2015. Collection method: clinical testing. Allele origin: germline.
Comment: Variant summary: MYH7 c.5075_5076delinsAA (p.Val1692Glu) results in a non-conservative amino acid change located in the myosin tail domain (IPR002928) of the encoded protein sequence. Five of five in-silico tools predict a damaging effect of the variant on protein function. The variant was absent in 1607082 control chromosomes (gnomAD v4.1). The available data on variant occurrences in the general population are insufficient to allow any conclusion about variant significance. An equivalent missense change (i.e. c.5075T>A / p.V1692E) has been reported in the literature in an individual affected with Cardiomyopathy (McGurk_2023). These report(s) do not provide unequivocal conclusions about association of the variant with Cardiomyopathy. To our knowledge, no experimental evidence demonstrating an impact on protein function has been reported. The following publication has been ascertained in the context of this evaluation (PMID: 37652022). ClinVar contains an entry for this variant (Variation ID: 923082). Based on the evidence outlined above, the variant was classified as uncertain significance.

Literature cited by the submitters: PubMed 37652022 (cited by Women's Health and Genetics/Laboratory Corporation of America, LabCorp).